The following is an entry in ClinVar:

NM_144596.4(TTC8):c.776A>T (p.Asp259Val)

Gene: TTC8 (tetratricopeptide repeat domain 8; plus strand). Cytogenetic location: 14q31.3.
Variant type: single nucleotide variant.
Coding change: c.776A>T on transcript NM_144596.4 (MANE Select); coding-DNA position 776, A replaced by T.
Protein change: p.Asp259Val; replaces aspartic acid 259 with valine.
Molecular consequence: missense variant. On other transcripts: non-coding transcript variant (1).
Genome position (GRCh38, 1-based): chr14:88,857,255, A>T. VCF-style: chr14-88857255-A-T. GRCh37 (hg19) VCF-style: chr14-89323599-A-T.
Other names: c.824A>T, p.Asp275Val (NM_001288781.1); c.182A>T, p.Asp61Val (NM_001288782.1); c.59A>T, p.Asp20Val (NM_001288783.1); c.746A>T, p.Asp249Val (NM_001366535.2, NM_198309.3); c.656A>T, p.Asp219Val (NM_001366536.2, NM_198310.3); short protein forms D249V, D61V, D259V, D20V, D219V, D275V.
Identifiers: ClinVar variation 1517902 (VCV001517902.6), dbSNP rs2141007421, ClinGen allele CA390546200.

ClinVar aggregate classification (germline): Uncertain significance (1 of 4 stars; one submission).

Conditions:
Bardet-Biedl syndrome (BBS). Identifiers: Orphanet 110, MedGen C0752166, MONDO:0015229.

gnomAD v4.1: 1 of 1,613,812 alleles (0.000062%); highest among the groups gnomAD compares: Non-Finnish European, 0.000085%; no homozygotes.

Submission:

Labcorp Genetics (formerly Invitae), Labcorp
Classification: Uncertain significance for Bardet-Biedl syndrome. Last evaluated: 2021-09-07. Review status: criteria provided, single submitter. Criteria: Invitae Variant Classification Sherloc (09022015). Collection method: clinical testing. Allele origin: germline.
Comment: In summary, the available evidence is currently insufficient to determine the role of this variant in disease. Therefore, it has been classified as a Variant of Uncertain Significance. Algorithms developed to predict the effect of missense changes on protein structure and function are either unavailable or do not agree on the potential impact of this missense change (SIFT: "Deleterious"; PolyPhen-2: "Benign"; Align-GVGD: "Class C0"). This variant has not been reported in the literature in individuals affected with TTC8-related conditions. This variant is not present in population databases (ExAC no frequency). This sequence change replaces aspartic acid with valine at codon 249 of the TTC8 protein (p.Asp249Val). The aspartic acid residue is highly conserved and there is a large physicochemical difference between aspartic acid and valine.